The following is an entry in ClinVar:

ClinVar aggregate classification (germline): Likely benign (0 of 4 stars; one submission).

Conditions:
KIDINS220-related disorder. Also called: KIDINS220-related condition.

Allele frequency attached by ClinVar (database versions not stated): gnomAD 0.00001.

Submission:

PreventionGenetics, part of Exact Sciences
Classification: Likely benign for KIDINS220-related condition. Last evaluated: 2022-12-15. Review status: no assertion criteria provided. Collection method: clinical testing. Allele origin: germline.
Comment: This variant is classified as likely benign based on ACMG/AMP sequence variant interpretation guidelines (Richards et al. 2015 PMID: 25741868, with internal and published modifications).

NM_020738.4(KIDINS220):c.648A>C (p.Thr216=)

Gene: KIDINS220 (kinase D interacting substrate 220; minus strand). Cytogenetic location: 2p25.1.
Variant type: single nucleotide variant.
Coding change: c.648A>C on transcript NM_020738.4 (MANE Select); coding-DNA position 648, A replaced by C.
Protein change: p.Thr216=; no amino-acid change (threonine 216 retained).
Molecular consequence: synonymous variant. On other transcripts: non-coding transcript variant (2).
Genome position (GRCh38, 1-based): chr2:8,803,083, T>G on the plus strand (A>C on the coding strand, the complement: KIDINS220 is on the minus strand). VCF-style: chr2-8803083-T-G. GRCh37 (hg19) VCF-style: chr2-8943213-T-G.
Other names: c.651A>C, p.Thr217= (NM_001348729.2, NM_001348731.2, NM_001348734.2 and 3 more transcripts); c.648A>C, p.Thr216= (NM_001348732.2, NM_001348735.2, NM_001348738.2 and 3 more transcripts); c.522A>C, p.Thr174= (NM_001348736.2).
Identifiers: ClinVar variation 3035808 (VCV003035808.2), dbSNP rs764278002, ClinGen allele CA424778761.